The following is an entry in ClinVar:

ClinVar aggregate classification (germline): Uncertain significance (1 of 4 stars; one submission).

Conditions:
Deficiency of hyaluronoglucosaminidase (MPS9). Also called: HYALURONIDASE DEFICIENCY; Mucopolysaccharidosis type 9; MPS IX. Identifiers: Orphanet 67041, MedGen C1291490, MONDO:0011093, OMIM 601492.

Submission:

Labcorp Genetics (formerly Invitae), Labcorp
Classification: Uncertain significance for Deficiency of hyaluronoglucosaminidase. Last evaluated: 2025-10-02. Review status: criteria provided, single submitter. Criteria: Invitae Variant Classification Sherloc (09022015). Collection method: clinical testing. Allele origin: germline.
Comment: This sequence change replaces serine, which is neutral and polar, with isoleucine, which is neutral and non-polar, at codon 433 of the HYAL1 protein (p.Ser433Ile). This variant is present in population databases (no rsID available, gnomAD 0.0009%). This variant has not been reported in the literature in individuals affected with HYAL1-related conditions. An algorithm developed to predict the effect of missense changes on protein structure and function (PolyPhen-2) suggests that this variant is likely to be tolerated. In summary, the available evidence is currently insufficient to determine the role of this variant in disease. Therefore, it has been classified as a Variant of Uncertain Significance.

NM_033159.4(HYAL1):c.1298G>T (p.Ser433Ile)

Gene: HYAL1 (hyaluronidase 1; minus strand). Cytogenetic location: 3p21.31.
Variant type: single nucleotide variant.
Coding change: c.1298G>T on transcript NM_033159.4 (MANE Select); coding-DNA position 1298, G replaced by T.
Protein change: p.Ser433Ile; replaces serine 433 with isoleucine.
Molecular consequence: missense variant. On other transcripts: non-coding transcript variant (1).
Genome position (GRCh38, 1-based): chr3:50,300,493, C>A on the plus strand (G>T on the coding strand, the complement: HYAL1 is on the minus strand). VCF-style: chr3-50300493-C-A. GRCh37 (hg19) VCF-style: chr3-50337924-C-A.
Other names: c.1298G>T, p.Ser433Ile (NM_153281.2); c.1208G>T, p.Ser403Ile (NM_153282.3); c.752G>T, p.Ser251Ile (NM_153283.3); c.521G>T, p.Ser174Ile (NM_153285.3); short protein forms S251I, S403I, S433I, S174I.
Identifiers: ClinVar variation 4755019 (VCV004755019.1).